The following is an entry in ClinVar:

NM_000275.3(OCA2):c.1842+2T>C

Gene: OCA2 (OCA2 melanosomal transmembrane protein; minus strand). Cytogenetic location: 15q13.1.
Variant type: single nucleotide variant.
Coding change: c.1842+2T>C on transcript NM_000275.3 (MANE Select); the canonical splice donor site of the intron after coding-DNA position 1842, T replaced by C.
Molecular consequence: splice donor variant.
Genome position (GRCh38, 1-based): chr15:27,955,156, A>G on the plus strand (T>C on the coding strand, the complement: OCA2 is on the minus strand). VCF-style: chr15-27955156-A-G. GRCh37 (hg19) VCF-style: chr15-28200302-A-G.
Other names: c.1770+2T>C (NM_001300984.2).
Identifiers: ClinVar variation 1458235 (VCV001458235.9), dbSNP rs1226502822, ClinGen allele CA391365122.

ClinVar aggregate classification (germline): Pathogenic/Likely pathogenic. Review status: criteria provided, multiple submitters, no conflicts (2 of 4 stars). 4 submissions from 4 submitters: Pathogenic (3); Likely pathogenic (1). Last evaluated 2025-01-01.

Conditions:
OCA2-related disorder. Also called: OCA2-related condition.
Tyrosinase-positive oculocutaneous albinism (OCA2). Also called: Albinism, oculocutaneous, type II; ALBINISM II; Oculocutaneous albinism type 2. Identifiers: Orphanet 79432, MedGen C0268495, MONDO:0008746, OMIM 203200.
SKIN/HAIR/EYE PIGMENTATION 1, BLUE/NONBLUE EYES (SHEP1). Also called: SKIN/HAIR/EYE PIGMENTATION 1, BLOND/BROWN HAIR; SKIN/HAIR/EYE PIGMENTATION 1, BLUE/BROWN EYES; BROWN EYE COLOR 2; EYE COLOR 3; EYE COLOR, BLUE/NONBLUE; EYE COLOR, BROWN/BLUE. Identifiers: MedGen C1856895, OMIM 227220.

Allele frequency attached by ClinVar (database versions not stated): gnomAD exomes below 0.00001.
gnomAD v4.1: 5 of 1,605,784 alleles (0.00031%); highest among the groups gnomAD compares: Non-Finnish European, 0.00043%; no homozygotes.

Submissions (4):

Labcorp Genetics (formerly Invitae), Labcorp
Classification: Pathogenic. Last evaluated: 2025-01-01. Review status: criteria provided, single submitter. Criteria: Invitae Variant Classification Sherloc (09022015). Collection method: clinical testing. Allele origin: germline.
Comment: This sequence change affects a donor splice site in intron 17 of the OCA2 gene. It is expected to disrupt RNA splicing. Variants that disrupt the donor or acceptor splice site typically lead to a loss of protein function (PMID: 16199547), and loss-of-function variants in OCA2 are known to be pathogenic (PMID: 19865097, 21541274). This variant is present in population databases (no rsID available, gnomAD 0.0009%). Disruption of this splice site has been observed in individuals with clinical features of ocular albinism (PMID: 28451379; internal data). ClinVar contains an entry for this variant (Variation ID: 1458235). Algorithms developed to predict the effect of sequence changes on RNA splicing suggest that this variant may disrupt the consensus splice site. For these reasons, this variant has been classified as Pathogenic.

Fulgent Genetics
Classification: Likely pathogenic for Tyrosinase-positive oculocutaneous albinism; SKIN/HAIR/EYE PIGMENTATION 1, BLUE/NONBLUE EYES. Last evaluated: 2024-06-06. Review status: criteria provided, single submitter. Criteria: ACMG Guidelines, 2015. Collection method: clinical testing. Allele origin: germline.

Centre for Human Genetics, University of Kinshasa
Classification: Pathogenic for Tyrosinase-positive oculocutaneous albinism. Last evaluated: 2022-08-06. Review status: criteria provided, single submitter. Criteria: ACMG Guidelines, 2015. Collection method: clinical testing. Allele origin: germline. Inheritance: Autosomal recessive inheritance. Affected: yes. Observed: 1 variant allele.
Comment: This affects a canonical splice site. This variant is very rare wih no homozygous in gnomAD (AF: 0.00000398 ), was submited in ClinVar (VCV001458235.1) and is mentionned in at least 4 publications (PubMed: 16199547‚ 19865097‚ 21541274‚ 28451379). Segregation analysis was not performed to unequivocally establish co-segregation with the 2.7 deletion. This variant was classified as pathogenic according to the ACMG guidelines.

Blueprint Genetics
Classification: Pathogenic for OCA2-related disorders. Last evaluated: 2020-09-25. Review status: criteria provided, single submitter. Criteria: ACMG Guidelines, 2015. Collection method: clinical testing. Allele origin: germline. Affected: yes. Observed: 2 variant alleles.

Literature cited by the submitters: PubMed 16199547 (cited by Labcorp Genetics (formerly Invitae), Labcorp and Centre for Human Genetics, University of Kinshasa); PubMed 19865097 (cited by Labcorp Genetics (formerly Invitae), Labcorp and Centre for Human Genetics, University of Kinshasa); PubMed 21541274 (cited by Labcorp Genetics (formerly Invitae), Labcorp and Centre for Human Genetics, University of Kinshasa); PubMed 28451379 (cited by Labcorp Genetics (formerly Invitae), Labcorp and Centre for Human Genetics, University of Kinshasa).